The following is an entry in ClinVar:

ClinVar aggregate classification (germline): Benign. Review status: criteria provided, multiple submitters, no conflicts (2 of 4 stars). 2 submissions from 2 submitters: Benign (2). Last evaluated 2018-01-13.

Conditions:
Childhood apraxia of speech (SPCH1). Also called: DEVELOPMENTAL VERBAL DYSPRAXIA; Speech language disorder; FOXP2-Related Speech and Language Disorder; SPEECH AND LANGUAGE DISORDER WITH OROFACIAL DYSPRAXIA. Identifiers: Orphanet 209908, MedGen C0750927, MONDO:0011184, OMIM 602081.

Allele frequency attached by ClinVar (database versions not stated): gnomAD exomes 0.00008 and 0.00009; ExAC 0.00012; gnomAD 0.00042 and 0.00043; TOPMed 0.00051.
gnomAD v4.1: 175 of 1,409,184 alleles (0.012%); highest among the groups gnomAD compares: African/African-American, 0.12%; no homozygotes.

Submissions (2):

Illumina Laboratory Services, Illumina
Classification: Benign for Childhood apraxia of speech. Last evaluated: 2018-01-13. Review status: criteria provided, single submitter. Criteria: ICSL Variant Classification Criteria 13 December 2019. Collection method: clinical testing. Allele origin: germline.
Comment: This variant was observed in the ICSL laboratory as part of a predisposition screen in an ostensibly healthy population. It had not been previously curated by ICSL or reported in the Human Gene Mutation Database (HGMD: prior to June 1st, 2018), and was therefore a candidate for classification through an automated scoring system. Utilizing variant allele frequency, disease prevalence and penetrance estimates, and inheritance mode, an automated score was calculated to assess if this variant is too frequent to cause the disease. Based on the score and internal cut-off values, a variant classified as benign is not then subjected to further curation. The score for this variant resulted in a classification of benign for this disease.

Breakthrough Genomics
Classification: Benign. Review status: criteria provided, single submitter. Criteria: ACMG Guidelines, 2015. Collection method: not provided. Allele origin: germline. Inheritance: Autosomal dominant inheritance. Affected: yes.

NM_014491.4(FOXP2):c.1770-14A>T

Gene: FOXP2 (forkhead box P2; plus strand). Cytogenetic location: 7q31.1.
Variant type: single nucleotide variant.
Coding change: c.1770-14A>T on transcript NM_014491.4 (MANE Select); 14 bases into the intron before coding-DNA position 1770, A replaced by T.
Molecular consequence: intron variant.
Genome position (GRCh38, 1-based): chr7:114,663,436, A>T. VCF-style: chr7-114663436-A-T. GRCh37 (hg19) VCF-style: chr7-114303491-A-T.
Other names: c.1845-14A>T (NM_148898.4); c.1821-14A>T (NM_148900.4); c.1767-14A>T (NM_001172766.3).
Identifiers: ClinVar variation 358609 (VCV000358609.6), dbSNP rs554154151, ClinGen allele CA4446203.
Genomic context (GRCh38, chr7:114,663,436, plus strand): 5'-TTATAGCTGAGACTATTGATATCCACGTTTTATATTTTGACGTATAAATGATCTTTATAT[A>T]TTTTTTTTTTCAGAAGTCCAACCTTAGTAAAAAATATACCTACCAGTTTAGGCTATGGAG-3'